The following is an entry in ClinVar:

ClinVar aggregate classification (germline): Uncertain significance. Review status: criteria provided, multiple submitters, no conflicts (2 of 4 stars). 3 submissions from 3 submitters: Uncertain significance (3). Last evaluated 2025-10-21.

Conditions:
Familial cancer of breast. Also called: BREAST CANCER, FAMILIAL; Hereditary breast cancer; hereditary breast carcinoma. Identifiers: Orphanet 227535, MedGen C0346153, MONDO:0016419, OMIM 114480. Disease mechanism: loss of function.
Hereditary cancer-predisposing syndrome. Also called: Neoplastic Syndromes, Hereditary; Tumor predisposition; Hereditary Cancer Syndrome; Hereditary neoplastic syndrome. Identifiers: Orphanet 140162, MedGen C0027672, MeSH D009386, MONDO:0015356.

Submissions (3):

Labcorp Genetics (formerly Invitae), Labcorp
Classification: Uncertain significance for Familial cancer of breast. Last evaluated: 2025-10-21. Review status: criteria provided, single submitter. Criteria: Invitae Variant Classification Sherloc (09022015). Collection method: clinical testing. Allele origin: germline.
Comment: This sequence change replaces arginine, which is basic and polar, with threonine, which is neutral and polar, at codon 240 of the CHEK2 protein (p.Arg240Thr). This variant is not present in population databases (gnomAD no frequency). This variant has not been reported in the literature in individuals affected with CHEK2-related conditions. ClinVar contains an entry for this variant (Variation ID: 926206). An algorithm developed to predict the effect of missense changes on protein structure and function (PolyPhen-2) suggests that this variant is likely to be disruptive. In summary, the available evidence is currently insufficient to determine the role of this variant in disease. Therefore, it has been classified as a Variant of Uncertain Significance.

Ambry Genetics
Classification: Uncertain significance for Hereditary cancer-predisposing syndrome. Last evaluated: 2023-04-21. Review status: criteria provided, single submitter. Criteria: Ambry Variant Classification Scheme 2023. Collection method: clinical testing. Allele origin: germline.
Comment: The p.R240T variant (also known as c.719G>C), located in coding exon 5 of the CHEK2 gene, results from a G to C substitution at nucleotide position 719. The arginine at codon 240 is replaced by threonine, an amino acid with similar properties. This amino acid position is conserved. In addition, the in silico prediction for this alteration is inconclusive. Since supporting evidence is limited at this time, the clinical significance of this alteration remains unclear.

Color Diagnostics, LLC DBA Color Health
Classification: Uncertain significance for Hereditary cancer-predisposing syndrome. Last evaluated: 2021-04-04. Review status: criteria provided, single submitter. Criteria: ACMG Guidelines, 2015. Collection method: clinical testing. Allele origin: germline.
Comment: This missense variant replaces arginine with threonine at codon 240 of the CHEK2 protein. Computational prediction suggests that this variant may not impact protein structure and function (internally defined REVEL score threshold <= 0.5, PMID: 27666373). To our knowledge, functional studies have not been reported for this variant. This variant has not been reported in individuals affected with hereditary cancer in the literature. This variant has not been identified in the general population by the Genome Aggregation Database (gnomAD). The available evidence is insufficient to determine the role of this variant in disease conclusively. Therefore, this variant is classified as a Variant of Uncertain Significance.

NM_007194.4(CHEK2):c.719G>C (p.Arg240Thr)

Gene: CHEK2 (checkpoint kinase 2; minus strand). Cytogenetic location: 22q12.1.
Variant type: single nucleotide variant.
Coding change: c.719G>C on transcript NM_007194.4 (MANE Select); coding-DNA position 719, G replaced by C.
Protein change: p.Arg240Thr; replaces arginine 240 with threonine.
Molecular consequence: missense variant.
Genome position (GRCh38, 1-based): chr22:28,711,982, C>G on the plus strand (G>C on the coding strand, the complement: CHEK2 is on the minus strand). VCF-style: chr22-28711982-C-G. GRCh37 (hg19) VCF-style: chr22-29107970-C-G.
Other names: c.848G>C, p.Arg283Thr (NM_001005735.3); c.56G>C, p.Arg19Thr (NM_001257387.3); c.518G>C, p.Arg173Thr (NM_001349956.3); c.719G>C, p.Arg240Thr (NM_145862.3); short protein forms R19T, R283T, R173T, R240T.
Identifiers: ClinVar variation 926206 (VCV000926206.9), dbSNP rs1323633806, ClinGen allele CA411103367.